The following is an entry in ClinVar:

ClinVar aggregate classification (germline): Likely benign. Review status: criteria provided, single submitter (1 of 4 stars). 2 submissions from 2 submitters: Likely benign (1). 1 of the submissions does not count toward it. Last evaluated 2022-06-16.

Conditions:
PIBF1-related disorder. Also called: PIBF1-related condition.

Allele frequency attached by ClinVar (database versions not stated): ExAC 0.00001; gnomAD 0.00001; gnomAD exomes 0.00001; TOPMed 0.00002.
gnomAD v4.1: 18 of 1,613,000 alleles (0.0011%); highest among the groups gnomAD compares: Non-Finnish European, 0.0015%; no homozygotes.

Submissions (2):

Blueprint Genetics
Classification: Likely benign. Last evaluated: 2022-06-16. Review status: criteria provided, single submitter. Criteria: ACMG Guidelines, 2015. Collection method: clinical testing. Allele origin: germline.

PreventionGenetics, part of Exact Sciences
Classification: Likely benign for PIBF1-related condition. Last evaluated: 2020-12-17. Review status: no assertion criteria provided. Collection method: clinical testing. Allele origin: germline. Not counted in ClinVar's aggregate classification.
Comment: This variant is classified as likely benign based on ACMG/AMP sequence variant interpretation guidelines (Richards et al. 2015 PMID: 25741868, with internal and published modifications).

NM_006346.4(PIBF1):c.1554A>G (p.Ala518=)

Gene: PIBF1 (progesterone immunomodulatory binding factor 1; plus strand). Cytogenetic location: 13q22.1.
Variant type: single nucleotide variant.
Coding change: c.1554A>G on transcript NM_006346.4 (MANE Select); coding-DNA position 1554, A replaced by G.
Protein change: p.Ala518=; no amino-acid change (alanine 518 retained).
Molecular consequence: synonymous variant. On other transcripts: non-coding transcript variant (2).
Genome position (GRCh38, 1-based): chr13:72,908,596, A>G. VCF-style: chr13-72908596-A-G. GRCh37 (hg19) VCF-style: chr13-73482734-A-G.
Other names: c.1641A>G, p.Ala547= (NM_001349655.2).
Identifiers: ClinVar variation 3030700 (VCV003030700.3), dbSNP rs765497378, ClinGen allele CA7002311.